The following is an entry in ClinVar:

NM_182916.3(TRNT1):c.481+153A>G

Gene: TRNT1 (tRNA nucleotidyl transferase 1; plus strand). Cytogenetic location: 3p26.2.
Variant type: single nucleotide variant.
Coding change: c.481+153A>G on transcript NM_182916.3 (MANE Select); 153 bases into the intron after coding-DNA position 481, A replaced by G.
Molecular consequence: intron variant.
Genome position (GRCh38, 1-based): chr3:3,140,801, A>G. VCF-style: chr3-3140801-A-G. GRCh37 (hg19) VCF-style: chr3-3182485-A-G.
Other names: c.481+153A>G (NM_001367321.1, NM_001367323.1, NM_001367322.1 and 1 more transcripts).
Identifiers: ClinVar variation 684284 (VCV000684284.2), dbSNP rs184579, ClinGen allele CA68727927.

ClinVar aggregate classification (germline): Benign. Review status: criteria provided, multiple submitters, no conflicts (2 of 4 stars). 2 submissions from 2 submitters: Benign (2). Last evaluated 2018-06-14.

Allele frequency attached by ClinVar (database versions not stated): 1000 Genomes Project 30x 0.90225; 1000 Genomes Project 0.90755; TOPMed 0.90795; gnomAD 0.91440 and 0.92002; gnomAD exomes 0.99156.
gnomAD v4.1: 971,168 of 990,756 alleles (98%); highest among the groups gnomAD compares: East Asian, 100%; 478,268 homozygotes.

Submissions (2):

GeneDx
Classification: Benign. Last evaluated: 2018-06-14. Review status: criteria provided, single submitter. Criteria: GeneDx Variant Classification (06012015). Collection method: clinical testing. Allele origin: germline. Affected: yes.
Comment: This variant is considered likely benign or benign based on one or more of the following criteria: it is a conservative change, it occurs at a poorly conserved position in the protein, it is predicted to be benign by multiple in silico algorithms, and/or has population frequency not consistent with disease.

Breakthrough Genomics
Classification: Benign. Review status: criteria provided, single submitter. Criteria: ACMG Guidelines, 2015. Collection method: not provided. Allele origin: germline. Inheritance: Autosomal recessive inheritance. Affected: yes.